The following is an entry in ClinVar:

NM_006734.4(HIVEP2):c.1033A>G (p.Ile345Val)

Gene: HIVEP2 (HIVEP zinc finger 2; minus strand). Cytogenetic location: 6q24.2.
Variant type: single nucleotide variant.
Coding change: c.1033A>G on transcript NM_006734.4 (MANE Select); coding-DNA position 1033, A replaced by G.
Protein change: p.Ile345Val; replaces isoleucine 345 with valine.
Molecular consequence: missense variant.
Genome position (GRCh38, 1-based): chr6:142,773,706, T>C on the plus strand (A>G on the coding strand, the complement: HIVEP2 is on the minus strand). VCF-style: chr6-142773706-T-C. GRCh37 (hg19) VCF-style: chr6-143094843-T-C.
Other names: short protein forms I345V.
Identifiers: ClinVar variation 445442 (VCV000445442.35), dbSNP rs141050437, ClinGen allele CA4028656.

ClinVar aggregate classification (germline): Benign/Likely benign. Review status: criteria provided, multiple submitters, no conflicts (2 of 4 stars). 3 submissions from 3 submitters: Benign (1); Likely benign (2). Last evaluated 2026-09-01.

Allele frequency attached by ClinVar (database versions not stated): 1000 Genomes Project 30x 0.00109; 1000 Genomes Project 0.00120; TOPMed 0.00198; ESP Exome Variant Server 0.00250; gnomAD exomes 0.00431 and 0.00489; gnomAD 0.00439 and 0.00462; ExAC 0.00468.
gnomAD v4.1: 6,890 of 1,614,114 alleles (0.43%); highest among the groups gnomAD compares: Non-Finnish European, 0.39%; 54 homozygotes.

Submissions (3):

CeGaT Center for Human Genetics Tuebingen
Classification: Likely benign. Last evaluated: 2026-09-01. Review status: criteria provided, single submitter. Criteria: CeGaT Center For Human Genetics Tuebingen Variant Classification Criteria Version 2. Collection method: clinical testing. Allele origin: germline. Affected: yes. Observed: 8 variant alleles.
Comment: HIVEP2: BP4, BS1

Labcorp Genetics (formerly Invitae), Labcorp
Classification: Benign. Last evaluated: 2026-02-03. Review status: criteria provided, single submitter. Criteria: Invitae Variant Classification Sherloc (09022015). Collection method: clinical testing. Allele origin: germline.

Center for Pediatric Genomic Medicine, Children's Mercy Hospital and Clinics
Classification: Likely benign. Last evaluated: 2017-05-24. Review status: criteria provided, single submitter. Criteria: ACMG Guidelines, 2015. Collection method: clinical testing. Allele origin: germline.